The following is an entry in ClinVar:

ClinVar aggregate classification (germline): Uncertain significance (1 of 4 stars; one submission).

Conditions:
Polyhydramnios, megalencephaly, and symptomatic epilepsy (PMSE). Also called: PMSE SYNDROME. Identifiers: Orphanet 500533, MedGen C1970203, MONDO:0012611, OMIM 611087.

Submission:

Labcorp Genetics (formerly Invitae), Labcorp
Classification: Uncertain significance for Polyhydramnios, megalencephaly, and symptomatic epilepsy. Last evaluated: 2022-03-06. Review status: criteria provided, single submitter. Criteria: Invitae Variant Classification Sherloc (09022015). Collection method: clinical testing. Allele origin: germline.
Comment: This sequence change replaces isoleucine, which is neutral and non-polar, with phenylalanine, which is neutral and non-polar, at codon 201 of the STRADA protein (p.Ile201Phe). This variant is not present in population databases (gnomAD no frequency). This variant has not been reported in the literature in individuals affected with STRADA-related conditions. Algorithms developed to predict the effect of missense changes on protein structure and function are either unavailable or do not agree on the potential impact of this missense change (SIFT: "Deleterious"; PolyPhen-2: "Possibly Damaging"; Align-GVGD: "Class C0"). In summary, the available evidence is currently insufficient to determine the role of this variant in disease. Therefore, it has been classified as a Variant of Uncertain Significance.

NM_001003787.4(STRADA):c.601A>T (p.Ile201Phe)

Gene: STRADA (STE20 related adaptor alpha; minus strand). Cytogenetic location: 17q23.3.
Variant type: single nucleotide variant.
Coding change: c.601A>T on transcript NM_001003787.4 (MANE Select); coding-DNA position 601, A replaced by T.
Protein change: p.Ile201Phe; replaces isoleucine 201 with phenylalanine.
Molecular consequence: missense variant.
Genome position (GRCh38, 1-based): chr17:63,707,399, T>A on the plus strand (A>T on the coding strand, the complement: STRADA is on the minus strand). VCF-style: chr17-63707399-T-A. GRCh37 (hg19) VCF-style: chr17-61784759-T-A.
Other names: c.490A>T, p.Ile164Phe (NM_001003786.3, NM_001363789.1, NM_153335.6); c.427A>T, p.Ile143Phe (NM_001003788.3, NM_001363790.1, NM_001363791.1); c.514A>T, p.Ile172Phe (NM_001165969.2, NM_001363787.1, NM_001411084.1); c.469A>T, p.Ile157Phe (NM_001165970.2); c.577A>T, p.Ile193Phe (NM_001363786.1); c.601A>T, p.Ile201Phe (NM_001363788.1, NM_001411083.1); short protein forms I193F, I164F, I143F, I157F, I201F, I172F.
Identifiers: ClinVar variation 1977028 (VCV001977028.2), dbSNP rs2511074898, ClinGen allele CA400591719.
Genomic context (GRCh38, chr17:63,707,399, plus strand): 5'-TCATGCTGAGGTTGCTGCGCAAACCAGACAGGTAGACCTTCCCATCCACAGAGATCAGGA[T>A]GTGGCTGGCTTTGACACTCCTGGGGAAGCGGGGAGGGTGTCATGTCGAGAGCAGGAGCCC-3'
Protein context (NP_001003787.1, residues 191-211): YVHRSVKASH[Ile201Phe]LISVDGKVYL